The following is an entry in ClinVar:

NM_015378.4(VPS13D):c.13128A>C (p.Arg4376Ser)

Gene: VPS13D (vacuolar protein sorting 13 homolog D; plus strand). Cytogenetic location: 1p36.21.
Variant type: single nucleotide variant.
Coding change: c.13128A>C on transcript NM_015378.4 (MANE Select); coding-DNA position 13128, A replaced by C.
Protein change: p.Arg4376Ser; replaces arginine 4376 with serine.
Molecular consequence: missense variant.
Genome position (GRCh38, 1-based): chr1:12,508,985, A>C. VCF-style: chr1-12508985-A-C. GRCh37 (hg19) VCF-style: chr1-12569039-A-C.
Other names: c.13053A>C, p.Arg4351Ser (NM_018156.4); short protein forms R4351S, R4376S.
Identifiers: ClinVar variation 2795372 (VCV002795372.3), dbSNP rs2522330724, ClinGen allele CA338497017.

ClinVar aggregate classification (germline): Uncertain significance (1 of 4 stars; one submission).

Submission:

Labcorp Genetics (formerly Invitae), Labcorp
Classification: Uncertain significance. Last evaluated: 2025-06-20. Review status: criteria provided, single submitter. Criteria: Invitae Variant Classification Sherloc (09022015). Collection method: clinical testing. Allele origin: germline.
Comment: This sequence change replaces arginine, which is basic and polar, with serine, which is neutral and polar, at codon 4376 of the VPS13D protein (p.Arg4376Ser). This variant is not present in population databases (gnomAD no frequency). This variant has not been reported in the literature in individuals affected with VPS13D-related conditions. ClinVar contains an entry for this variant (Variation ID: 2795372). Invitae Evidence Modeling of protein sequence and biophysical properties (such as structural, functional, and spatial information, amino acid conservation, physicochemical variation, residue mobility, and thermodynamic stability) indicates that this missense variant is not expected to disrupt VPS13D protein function with a negative predictive value of 80%. In summary, the available evidence is currently insufficient to determine the role of this variant in disease. Therefore, it has been classified as a Variant of Uncertain Significance.